The following is an entry in ClinVar:

NM_018082.6(POLR3B):c.1670A>G (p.Asn557Ser)

Gene: POLR3B (RNA polymerase III subunit B; plus strand). Cytogenetic location: 12q23.3.
Variant type: single nucleotide variant.
Coding change: c.1670A>G on transcript NM_018082.6 (MANE Select); coding-DNA position 1670, A replaced by G.
Protein change: p.Asn557Ser; replaces asparagine 557 with serine.
Molecular consequence: missense variant.
Genome position (GRCh38, 1-based): chr12:106,433,761, A>G. VCF-style: chr12-106433761-A-G. GRCh37 (hg19) VCF-style: chr12-106827539-A-G.
Other names: c.1496A>G, p.Asn499Ser (NM_001160708.2); short protein forms N499S, N557S.
Identifiers: ClinVar variation 1032789 (VCV001032789.1), dbSNP rs2037539502, ClinGen allele CA386390118.
Genomic context (GRCh38, chr12:106,433,761, plus strand): 5'-TTCTTTCTTTTTGCCTAGGTAACATCTTAGGTGTCATTCGAGACCACAAAAAGCTAGTGA[A>G]TACATTTCGACTCATGAGAAGAGCAGGATATATCAATGAATTTGTTTCCATCTCAACAAA-3'
Protein context (NP_060552.4, residues 547-567): GVIRDHKKLV[Asn557Ser]TFRLMRRAGY

ClinVar aggregate classification (germline): Uncertain significance (1 of 4 stars; one submission).

Conditions:
Leukodystrophy, hypomyelinating, 8, with or without oligodontia and/or hypogonadotropic hypogonadism. Also called: Hypomyelinating leukodystrophy 8 with or without oligodontia and-or hypogonadotropic hypogonadism; LEUKODYSTROPHY, HYPOMYELINATING, 8, WITH HYPODONTIA AND HYPOGONADOTROPIC HYPOGONADISM; Endosteal sclerosis-cerebellar hypoplasia syndrome. Identifiers: Orphanet 85186, Orphanet 88637, MedGen C3280644, MONDO:0013722, OMIM 614381.

Allele frequency attached by ClinVar (database versions not stated): gnomAD exomes below 0.00001.
gnomAD v4.1: 2 of 1,613,656 alleles (0.00012%); highest among the groups gnomAD compares: Non-Finnish European, 0.00017%; no homozygotes.

Submission:

Baylor Genetics
Classification: Uncertain significance for Leukodystrophy, hypomyelinating, 8, with or without oligodontia and/or hypogonadotropic hypogonadism. Last evaluated: 2018-05-15. Review status: criteria provided, single submitter. Criteria: ACMG Guidelines, 2015. Collection method: clinical testing. Allele origin: maternal. Affected: yes.
Comment: This variant was determined to be of uncertain significance according to ACMG Guidelines, 2015 [PMID:25741868].